The following is an entry in ClinVar:

ClinVar aggregate classification (germline): Uncertain significance (1 of 4 stars; one submission).

Conditions:
Spastic paraplegia. Identifiers: MedGen C0037772, HP:0001258.

Allele frequency attached by ClinVar (database versions not stated): TOPMed 0.00002; ESP Exome Variant Server 0.00015.
gnomAD v4.1: 119 of 1,613,320 alleles (0.0074%); highest among the groups gnomAD compares: Non-Finnish European, 0.0096%; no homozygotes.

Submission:

Labcorp Genetics (formerly Invitae), Labcorp
Classification: Uncertain significance for Spastic paraplegia. Last evaluated: 2021-12-02. Review status: criteria provided, single submitter. Criteria: Invitae Variant Classification Sherloc (09022015). Collection method: clinical testing. Allele origin: germline.
Comment: Algorithms developed to predict the effect of missense changes on protein structure and function are either unavailable or do not agree on the potential impact of this missense change (SIFT: "Deleterious"; PolyPhen-2: "Possibly Damaging"; Align-GVGD: "Class C0"). In summary, the available evidence is currently insufficient to determine the role of this variant in disease. Therefore, it has been classified as a Variant of Uncertain Significance. ClinVar contains an entry for this variant (Variation ID: 655592). This variant has not been reported in the literature in individuals affected with AP4E1-related conditions. This variant is present in population databases (rs147005786, gnomAD 0.006%). This sequence change replaces isoleucine, which is neutral and non-polar, with threonine, which is neutral and polar, at codon 85 of the AP4E1 protein (p.Ile85Thr).

NM_007347.5(AP4E1):c.254T>C (p.Ile85Thr)

Gene: AP4E1 (adaptor related protein complex 4 subunit epsilon 1; plus strand). Cytogenetic location: 15q21.2.
Variant type: single nucleotide variant.
Coding change: c.254T>C on transcript NM_007347.5 (MANE Select); coding-DNA position 254, T replaced by C.
Protein change: p.Ile85Thr; replaces isoleucine 85 with threonine.
Molecular consequence: missense variant.
Genome position (GRCh38, 1-based): chr15:50,915,479, T>C. VCF-style: chr15-50915479-T-C. GRCh37 (hg19) VCF-style: chr15-51207676-T-C.
Other names: c.29T>C, p.Ile10Thr (NM_001252127.2); short protein forms I10T, I85T.
Identifiers: ClinVar variation 655592 (VCV000655592.10), dbSNP rs147005786, ClinGen allele CA7558709.
Genomic context (GRCh38, chr15:50,915,479, plus strand): 5'-ATACAGCTACTGGATATTTTGCTTTTCAGAAAATGATGAAGGAATGTATGGTGAGACTTA[T>C]ATATTGTGAAATGCTTGGATATGATGCTTCCTTTGGCTATATTCATGCAATCAAGTTAGC-3'
Protein context (NP_031373.2, residues 75-95): KMMKECMVRL[Ile85Thr]YCEMLGYDAS